The following is an entry in ClinVar:

ClinVar aggregate classification (germline): Benign/Likely benign. Review status: criteria provided, multiple submitters, no conflicts (2 of 4 stars). 5 submissions from 5 submitters: Benign (2); Likely benign (3). Last evaluated 2026-02-04.

Conditions:
Saldino-Mainzer syndrome (SRTD9). Also called: short-rib thoracic dysplasia 9 with or without polydactyly; CONORENAL SYNDROME; Renal dysplasia, retinal pigmentary dystrophy, cerebellar ataxia and skeletal dysplasia; SHORT-RIB THORACIC DYSPLASIA 9 WITHOUT POLYDACTYLY. Identifiers: Orphanet 140969, MedGen C1849437, MONDO:0009964, OMIM 266920.
Retinitis pigmentosa 80 (RP80). Identifiers: MedGen C4540439, MONDO:0054708, OMIM 617781.

Allele frequency attached by ClinVar (database versions not stated): ESP Exome Variant Server 0.00477; gnomAD exomes 0.00522 and 0.00551; gnomAD 0.00530 and 0.00536; ExAC 0.00574; 1000 Genomes Project 30x 0.00281; 1000 Genomes Project 0.00300; TOPMed 0.00444.
gnomAD v4.1: 8,331 of 1,523,948 alleles (0.55%); highest among the groups gnomAD compares: Non-Finnish European, 0.6%; 38 homozygotes.

Submissions (5):

Labcorp Genetics (formerly Invitae), Labcorp
Classification: Benign for Saldino-Mainzer syndrome. Last evaluated: 2026-02-04. Review status: criteria provided, single submitter. Criteria: Invitae Variant Classification Sherloc (09022015). Collection method: clinical testing. Allele origin: germline.

Blueprint Genetics
Classification: Benign. Last evaluated: 2024-11-25. Review status: criteria provided, single submitter. Criteria: ACMG Guidelines, 2015. Collection method: clinical testing. Allele origin: germline.

Fulgent Genetics
Classification: Likely benign for Saldino-Mainzer syndrome; Retinitis pigmentosa 80. Last evaluated: 2021-09-21. Review status: criteria provided, single submitter. Criteria: ACMG Guidelines, 2015. Collection method: clinical testing. Allele origin: unknown.

Illumina Laboratory Services, Illumina
Classification: Likely benign for Saldino-Mainzer syndrome. Last evaluated: 2018-01-12. Review status: criteria provided, single submitter. Criteria: ICSL Variant Classification Criteria 13 December 2019. Collection method: clinical testing. Allele origin: germline.
Comment: This variant was observed in the ICSL laboratory as part of a predisposition screen in an ostensibly healthy population. It had not been previously curated by ICSL or reported in the Human Gene Mutation Database (HGMD: prior to June 1st, 2018), and was therefore a candidate for classification through an automated scoring system. Utilizing variant allele frequency, disease prevalence and penetrance estimates, and inheritance mode, an automated score was calculated to assess if this variant is too frequent to cause the disease. Based on the score and internal cut-off values, a variant classified as likely benign is not then subjected to further curation. The score for this variant resulted in a classification of likely benign for this disease.

Breakthrough Genomics
Classification: Likely benign. Review status: criteria provided, single submitter. Criteria: ACMG Guidelines, 2015. Collection method: not provided. Allele origin: germline. Inheritance: Autosomal recessive inheritance. Affected: yes.

NM_014714.4(IFT140):c.4040+11G>A

Gene: IFT140 (intraflagellar transport 140; minus strand). Cytogenetic location: 16p13.3.
Variant type: single nucleotide variant.
Coding change: c.4040+11G>A on transcript NM_014714.4 (MANE Select); 11 bases into the intron after coding-DNA position 4040, G replaced by A.
Molecular consequence: intron variant.
Genome position (GRCh38, 1-based): chr16:1,519,870, C>T on the plus strand (G>A on the coding strand, the complement: IFT140 is on the minus strand). VCF-style: chr16-1519870-C-T. GRCh37 (hg19) VCF-style: chr16-1569871-C-T.
Identifiers: ClinVar variation 317990 (VCV000317990.16), dbSNP rs144624901, ClinGen allele CA7812943.